The following is an entry in ClinVar:

ClinVar aggregate classification (germline): Likely benign (0 of 4 stars; one submission).

Conditions:
UNC13A-related disorder. Also called: UNC13A-related condition.

Allele frequency attached by ClinVar (database versions not stated): gnomAD exomes below 0.00001.
gnomAD v4.1: 1 of 1,608,144 alleles (0.000062%); highest among the groups gnomAD compares: African/African-American, 0.0013%; no homozygotes.

Submission:

PreventionGenetics, part of Exact Sciences
Classification: Likely benign for UNC13A-related condition. Last evaluated: 2019-03-20. Review status: no assertion criteria provided. Collection method: clinical testing. Allele origin: germline.
Comment: This variant is classified as likely benign based on ACMG/AMP sequence variant interpretation guidelines (Richards et al. 2015 PMID: 25741868, with internal and published modifications).

NM_001080421.3(UNC13A):c.3921-10G>T

Gene: UNC13A (unc-13 homolog A; minus strand). Cytogenetic location: 19p13.11.
Variant type: single nucleotide variant.
Coding change: c.3921-10G>T on transcript NM_001080421.3 (MANE Select); 10 bases into the intron before coding-DNA position 3921, G replaced by T.
Molecular consequence: intron variant.
Genome position (GRCh38, 1-based): chr19:17,626,795, C>A on the plus strand (G>T on the coding strand, the complement: UNC13A is on the minus strand). VCF-style: chr19-17626795-C-A. GRCh37 (hg19) VCF-style: chr19-17737604-C-A.
Other names: c.3912-10G>T (NM_001387022.1); c.3915-10G>T (NM_001387023.1, NM_001387021.1).
Identifiers: ClinVar variation 3047825 (VCV003047825.2), dbSNP rs2513000683, ClinGen allele CA2583393630.